The following is an entry in ClinVar:

NM_005726.6(TSFM):c.919G>A (p.Val307Ile)

Gene: TSFM (Ts translation elongation factor, mitochondrial; plus strand). Cytogenetic location: 12q14.1.
Variant type: single nucleotide variant.
Coding change: c.919G>A on transcript NM_005726.6 (MANE Select); coding-DNA position 919, G replaced by A.
Protein change: p.Val307Ile; replaces valine 307 with isoleucine.
Molecular consequence: missense variant. On other transcripts: 3 prime UTR variant (1), intron variant (1).
Genome position (GRCh38, 1-based): chr12:57,796,524, G>A. VCF-style: chr12-57796524-G-A. GRCh37 (hg19) VCF-style: chr12-58190307-G-A.
Other names: c.*327G>A (NM_001172695.2); c.982G>A, p.Val328Ile (NM_001172696.2); c.571+3451G>A (NM_001172697.2); short protein forms V328I, V307I.
Identifiers: ClinVar variation 1384778 (VCV001384778.5), dbSNP rs775268501, ClinGen allele CA385532132.

ClinVar aggregate classification (germline): Uncertain significance (1 of 4 stars; one submission).

Allele frequency attached by ClinVar (database versions not stated): gnomAD 0.00001.
gnomAD v4.1: 4 of 1,497,458 alleles (0.00027%); highest among the groups gnomAD compares: Non-Finnish European, 0.00036%; no homozygotes.

Submission:

Labcorp Genetics (formerly Invitae), Labcorp
Classification: Uncertain significance. Last evaluated: 2021-08-31. Review status: criteria provided, single submitter. Criteria: Invitae Variant Classification Sherloc (09022015). Collection method: clinical testing. Allele origin: germline.
Comment: This sequence change replaces valine with isoleucine at codon 328 of the TSFM protein (p.Val328Ile). The valine residue is moderately conserved and there is a small physicochemical difference between valine and isoleucine. This variant is not present in population databases (ExAC no frequency). This variant has not been reported in the literature in individuals affected with TSFM-related conditions. Algorithms developed to predict the effect of missense changes on protein structure and function are either unavailable or do not agree on the potential impact of this missense change (SIFT: "Tolerated"; PolyPhen-2: "Possibly Damaging"; Align-GVGD: "Class C0"). In summary, the available evidence is currently insufficient to determine the role of this variant in disease. Therefore, it has been classified as a Variant of Uncertain Significance.